The following is an entry in ClinVar:

NM_001035.3(RYR2):c.10211T>G (p.Ile3404Ser)

Gene: RYR2 (ryanodine receptor 2; plus strand). Cytogenetic location: 1q43.
Variant type: single nucleotide variant.
Coding change: c.10211T>G on transcript NM_001035.3 (MANE Select); coding-DNA position 10211, T replaced by G.
Protein change: p.Ile3404Ser; replaces isoleucine 3404 with serine.
Molecular consequence: missense variant.
Genome position (GRCh38, 1-based): chr1:237,709,548, T>G. VCF-style: chr1-237709548-T-G. GRCh37 (hg19) VCF-style: chr1-237872848-T-G.
Other names: short protein forms I3404S.
Identifiers: ClinVar variation 1172226 (VCV001172226.6), dbSNP rs2149069956, ClinGen allele CA345411724.

ClinVar aggregate classification (germline): Uncertain significance. Review status: criteria provided, multiple submitters, no conflicts (2 of 4 stars). 2 submissions from 2 submitters: Uncertain significance (2). Last evaluated 2024-05-14.

Conditions:
Cardiomyopathy (CMYO). Also called: Cardiomyopathies. Identifiers: Orphanet 167848, MedGen C0878544, MONDO:0004994, HP:0001638. Inheritance: Various modes of inheritance.
Catecholaminergic polymorphic ventricular tachycardia (CVPT). Also called: Catecholamine-induced polymorphic ventricular tachycardia. Identifiers: Orphanet 3286, MedGen C5574922, MONDO:0017990.

Submissions (2):

All of Us Research Program, National Institutes of Health
Classification: Uncertain significance for Catecholaminergic polymorphic ventricular tachycardia. Last evaluated: 2024-05-14. Review status: criteria provided, single submitter. Criteria: ACMG Guidelines, 2015. Collection method: clinical testing. Allele origin: germline. Inheritance: Autosomal dominant inheritance. Observed: 3 variant alleles, 3 heterozygotes.
Comment: This missense variant replaces isoleucine with serine at codon 3404 of the RYR2 protein. Computational prediction suggests that this variant may have deleterious impact on protein structure and function (internally defined REVEL score threshold >= 0.7, PMID: 27666373). To our knowledge, functional studies have not been reported for this variant. This variant has not been reported in individuals affected with cardiovascular disorders in the literature. This variant has not been identified in the general population by the Genome Aggregation Database (gnomAD). The available evidence is insufficient to determine the role of this variant in disease conclusively. Therefore, this variant is classified as a Variant of Uncertain Significance.

This study involves interpretation of variants in research participants for the purpose of population health screening. Participant phenotype was not available at the time of variant classification. Additional details can be found in publication PMID: 35346344, PMCID: PMC8962531

Color Diagnostics, LLC DBA Color Health
Classification: Uncertain significance for Cardiomyopathy. Last evaluated: 2024-03-07. Review status: criteria provided, single submitter. Criteria: ACMG Guidelines, 2015. Collection method: clinical testing. Allele origin: germline.
Comment: This missense variant replaces isoleucine with serine at codon 3404 of the RYR2 protein. Computational prediction suggests that this variant may have deleterious impact on protein structure and function (internally defined REVEL score threshold >= 0.7, PMID: 27666373). To our knowledge, functional studies have not been reported for this variant. This variant has not been reported in individuals affected with cardiovascular disorders in the literature. This variant has not been identified in the general population by the Genome Aggregation Database (gnomAD). The available evidence is insufficient to determine the role of this variant in disease conclusively. Therefore, this variant is classified as a Variant of Uncertain Significance.